The following is an entry in ClinVar:

NM_001042492.3(NF1):c.5003G>T (p.Gly1668Val)

Gene: NF1 (neurofibromin 1; plus strand). Cytogenetic location: 17q11.2.
Variant type: single nucleotide variant.
Coding change: c.5003G>T on transcript NM_001042492.3 (MANE Select); coding-DNA position 5003, G replaced by T.
Protein change: p.Gly1668Val; replaces glycine 1668 with valine.
Molecular consequence: missense variant.
Genome position (GRCh38, 1-based): chr17:31,325,987, G>T. VCF-style: chr17-31325987-G-T. GRCh37 (hg19) VCF-style: chr17-29653005-G-T.
Other names: c.4940G>T, p.Gly1647Val (NM_000267.4); short protein forms G1668V, G1647V.
Identifiers: ClinVar variation 485937 (VCV000485937.6), dbSNP rs1555533332, ClinGen allele CA399007294.
Genomic context (GRCh38, chr17:31,325,987, plus strand): 5'-CCGGGCCTAGCAATCGCTTTAAAACAGACTTTCTCTCTAAGTGGTTTGTTGTTTTTCCTG[G>T]CTTTGCTTACGACAACGTCTCCGCAGTCTATATCTATAACTGTAACTCCTGGGTCAGGGA-3'
Protein context (NP_001035957.1, residues 1658-1678): FLSKWFVVFP[Gly1668Val]FAYDNVSAVY

ClinVar aggregate classification (germline): Uncertain significance (1 of 4 stars; one submission).

Conditions:
Hereditary cancer-predisposing syndrome. Also called: Tumor predisposition; Hereditary Cancer Syndrome; Hereditary neoplastic syndrome; Neoplastic Syndromes, Hereditary. Identifiers: Orphanet 140162, MedGen C0027672, MeSH D009386, MONDO:0015356.
Cardiovascular phenotype. Identifiers: MedGen CN230736.

Submission:

Ambry Genetics
Classification: Uncertain significance for Cardiovascular phenotype; Hereditary cancer-predisposing syndrome. Last evaluated: 2025-06-06. Review status: criteria provided, single submitter. Criteria: Ambry Variant Classification Scheme 2023. Collection method: clinical testing. Allele origin: germline.
Comment: The p.G1647V variant (also known as c.4940G>T), located in coding exon 36 of the NF1 gene, results from a G to T substitution at nucleotide position 4940. The glycine at codon 1647 is replaced by valine, an amino acid with dissimilar properties. This amino acid position is well conserved in available vertebrate species. In addition, the in silico prediction for this alteration is inconclusive. Based on the available evidence, the clinical significance of this variant remains unclear.